The following is an entry in ClinVar:

NM_013382.7(POMT2):c.1291C>T (p.Pro431Ser)

Gene: POMT2 (protein O-mannosyltransferase 2; minus strand). Cytogenetic location: 14q24.3.
Variant type: single nucleotide variant.
Coding change: c.1291C>T on transcript NM_013382.7 (MANE Select); coding-DNA position 1291, C replaced by T.
Protein change: p.Pro431Ser; replaces proline 431 with serine.
Molecular consequence: missense variant.
Genome position (GRCh38, 1-based): chr14:77,286,785, G>A on the plus strand (C>T on the coding strand, the complement: POMT2 is on the minus strand). VCF-style: chr14-77286785-G-A. GRCh37 (hg19) VCF-style: chr14-77753128-G-A.
Other names: short protein forms P431S.
Identifiers: ClinVar variation 2201456 (VCV002201456.4), dbSNP rs2503203389, ClinGen allele CA390517716.
Genomic context (GRCh38, chr14:77,286,785, plus strand): 5'-ATCCCCGTTGCTTACTTACTATGCCATAGCCGGTGACCTGATAGTGCTTCCGGGTCATGG[G>A]GGCCTCATGATAGTGACTGTGCAAGTTCCGGGAAGTTCTAGAAGTTAGAAAAGAGAAGTG-3'
Protein context (NP_037514.2, residues 421-441): RNLHSHYHEA[Pro431Ser]MTRKHYQVTG

ClinVar aggregate classification (germline): Uncertain significance (1 of 4 stars; one submission).

Conditions:
Muscular dystrophy-dystroglycanopathy (congenital with impaired intellectual development), type B, 2. Also called: Muscular dystrophy-dystroglycanopathy (congenital with intellectual disability), type B2; MUSCULAR DYSTROPHY, CONGENITAL, POMT2-RELATED. Identifiers: MedGen C3150416, MONDO:0013160, OMIM 613156.
Autosomal recessive limb-girdle muscular dystrophy type 2N. Also called: MUSCULAR DYSTROPHY-DYSTROGLYCANOPATHY, LIMB-GIRDLE, POMT2-RELATED; Muscular dystrophy-dystroglycanopathy (limb-girdle), type C, 2. Identifiers: Orphanet 206559, MedGen C3150418, MONDO:0013162, OMIM 613158.
Muscular dystrophy-dystroglycanopathy (congenital with brain and eye anomalies), type A2. Also called: MUSCULAR DYSTROPHY-DYSTROGLYCANOPATHY (CONGENITAL WITH BRAIN AND EYE ANOMALIES), TYPE A, 2; WALKER-WARBURG SYNDROME OR MUSCLE-EYE-BRAIN DISEASE, POMT2-RELATED. Identifiers: Orphanet 588, Orphanet 899, MedGen C3150411, MONDO:0013154, OMIM 613150.

Submission:

Labcorp Genetics (formerly Invitae), Labcorp
Classification: Uncertain significance for Muscular dystrophy-dystroglycanopathy (congenital with impaired intellectual development), type B, 2; Muscular dystrophy-dystroglycanopathy (congenital with brain and eye anomalies), type A2; Autosomal recessive limb-girdle muscular dystrophy type 2N. Last evaluated: 2025-08-18. Review status: criteria provided, single submitter. Criteria: Invitae Variant Classification Sherloc (09022015). Collection method: clinical testing. Allele origin: germline.
Comment: This sequence change replaces proline, which is neutral and non-polar, with serine, which is neutral and polar, at codon 431 of the POMT2 protein (p.Pro431Ser). This variant is not present in population databases (gnomAD no frequency). This variant has not been reported in the literature in individuals affected with POMT2-related conditions. ClinVar contains an entry for this variant (Variation ID: 2201456). Invitae Evidence Modeling of protein sequence and biophysical properties (such as structural, functional, and spatial information, amino acid conservation, physicochemical variation, residue mobility, and thermodynamic stability) has been performed for this missense variant. However, the output from this modeling did not meet the statistical confidence thresholds required to predict the impact of this variant on POMT2 protein function. In summary, the available evidence is currently insufficient to determine the role of this variant in disease. Therefore, it has been classified as a Variant of Uncertain Significance.